The following is an entry in ClinVar:

NM_001009944.3(PKD1):c.8087T>G (p.Leu2696Arg)

Gene: PKD1 (polycystin 1, transient receptor potential channel interacting; minus strand). Cytogenetic location: 16p13.3.
Variant type: single nucleotide variant.
Coding change: c.8087T>G on transcript NM_001009944.3 (MANE Select); coding-DNA position 8087, T replaced by G.
Protein change: p.Leu2696Arg; replaces leucine 2696 with arginine.
Molecular consequence: missense variant.
Genome position (GRCh38, 1-based): chr16:2,104,572, A>C on the plus strand (T>G on the coding strand, the complement: PKD1 is on the minus strand). VCF-style: chr16-2104572-A-C. GRCh37 (hg19) VCF-style: chr16-2154573-A-C.
Other names: c.8087T>G, p.Leu2696Arg (NM_000296.4); short protein forms L2696R.
Identifiers: ClinVar variation 433983 (VCV000433983.30), dbSNP rs201238819, ClinGen allele CA7830727.

ClinVar aggregate classification (germline): Conflicting classifications of pathogenicity. Review status: criteria provided, conflicting classifications (1 of 4 stars). 5 submissions from 5 submitters: Uncertain significance (1); Benign (1); Likely benign (2). 1 of the submissions does not count toward it. Last evaluated 2026-05-27.

Conditions:
Polycystic kidney disease. Also called: Kidney, Polycystic; Polycystic kidney dysplasia. Identifiers: MedGen C0022680, MeSH D007690, MONDO:0020642, HP:0000113.
PKD1-related disorder. Also called: PKD1-related condition.

Allele frequency attached by ClinVar (database versions not stated): 1000 Genomes Project 30x 0.00187.

Submissions (5):

Women's Health and Genetics/Laboratory Corporation of America, LabCorp
Classification: Uncertain significance. Last evaluated: 2026-05-27. Review status: criteria provided, single submitter. Criteria: LabCorp Variant Classification Summary - May 2015. Collection method: clinical testing. Allele origin: germline.
Comment: Variant summary: PKD1 c.8087T>G (p.Leu2696Arg) results in a non-conservative amino acid change in the encoded protein sequence. Algorithms developed to predict the effect of missense changes on protein structure and function are either unavailable or do not agree on the potential impact of this missense change. The variant allele was found at a frequency of 0.0011 in 170576 control chromosomes (gnomAD). This frequency is not significantly higher than estimated for disease-causing variants in PKD1, allowing no conclusion about variant significance. c.8087T>G has been observed in heterozygous or compound heterozygous individuals affected with PKD1-related conditions (e.g. Bergmann_2011, Phakdeekitcharoen_2001, Sekine_2019, Yu_2011, Jin_2016, Carrera_2016, Pandita_2019, Losekoot_2012). These data do not allow any conclusion about variant significance. To our knowledge, no experimental evidence demonstrating an impact on protein function has been reported. The following publications have been ascertained in the context of this evaluation (PMID: 22034641, 27499327, 27782177, 22114106, 30816285, 11316854, 30820006, 22185115). ClinVar contains an entry for this variant (Variation ID: 433983). Based on the evidence outlined above, the variant was classified as uncertain significance.

CeGaT Center for Human Genetics Tuebingen
Classification: Benign. Last evaluated: 2026-03-01. Review status: criteria provided, single submitter. Criteria: CeGaT Center For Human Genetics Tuebingen Variant Classification Criteria Version 2. Collection method: clinical testing. Allele origin: germline. Affected: yes. Observed: 2 variant alleles.
Comment: PKD1: BP4, BS1, BS2

PreventionGenetics, part of Exact Sciences
Classification: Likely benign for PKD1-related condition. Last evaluated: 2026-02-26. Review status: criteria provided, single submitter. Criteria: ACMG Guidelines, 2015. Collection method: clinical testing. Allele origin: germline.
Comment: This variant is classified as likely benign based on ACMG/AMP sequence variant interpretation guidelines (Richards et al. 2015 PMID: 25741868, with internal and published modifications).

Blueprint Genetics
Classification: Likely benign. Last evaluated: 2024-11-26. Review status: criteria provided, single submitter. Criteria: ACMG Guidelines, 2015. Collection method: clinical testing. Allele origin: germline.

Department of Pathology and Laboratory Medicine, Sinai Health System
Classification: Benign for Polycystic Kidney disease. Review status: no assertion criteria provided. Collection method: clinical testing. Allele origin: unknown. Affected: yes. Study: The Canadian Open Genetics Repository (COGR). Not counted in ClinVar's aggregate classification.
Comment: The PKD1 p.Leu2696Arg variant was identified in 14 of 286 proband chromosomes (frequency: 0.049) from individuals or families with ADPKD, and was not identified in 100 control chromosomes from healthy individuals (Phakdeekitcharoen 2001, Bataille 2011, Yu 2011). The p.Leu2696Arg variant was identified in the dbSNP (ID: rs201238819) with no known clinical significance. The variant was not identified in NHLBI Exome Sequencing Project (Exome Variant Server). The variant was identified in Exome Aggregation Consortium (March 14, 2016), in 42 of 19230 chromosomes (frequency: 0.002) or 10 of 8070 South Asians, 24 of 7400 European (Non-Finnish), 2 of 628 Latino, 5 of 1616 African and 1 of 178 Other populations and not found in East Asian and European (Finnish), increasing the likelihood this could be a low frequency benign variant. The variant was identified in the PKD Mutation Database and was classified as likely neutral. The p.Leu2696 residue is not conserved in mammals and computational analyses (PolyPhen-2, SIFT, AlignGVGD, BLOSUM, MutationTaster) do not suggest a high likelihood of impact to the protein. However, this information is not predictive enough to rule out pathogenicity. In a study of 41 Thai probands with ADPKD and pathogenic variants in the replicated portion of the PKD1 gene, the p.Leu2696Arg variant was identified to occur in non-conservative region within the REJ domain, but its effect on the three-dimensional structure is unknown. Glutamic acid and arginine are observed in the corresponding positions of Fugu and murine polycystin-1, respectively, suggesting a noncritical role for a nonpolar residue at this location (Phakdeekitcharoen 2001). In ADPKD family studies, the variant was identified in a fetus with cystic kidneys resembling ADPKD on ultrasound however it co-occurred with a de novo PKD1 â€šÃ„Ãºlikely pathogenicâ€šÃ„Ã¹ variant (c.9222C>G, p.Asn3074Lys. The fetus was also identified to carry a HNF1Å’â‰¤ â€šÃ„Ãºhighly likely pathogenicâ€šÃ„Ã¹ variant (c.883C>T, p.Arg295Cys) which was also identified in the father and paternal grandmother who had cystic kidneys consistent with the HNF1Å’â‰¤ phenotype. The PKD1 p.Leu2696Arg variant was inherited from the mother with a normal renal phenotype. (Bergmann_2011_22034641). In summary, based on the above information, the clinical significance of this variant cannot be determined with certainty at this time although we would lean towards a more benign role for this variant. This variant is classified as Benign.

Literature cited by the submitters: PubMed 22185115 (cited by Women's Health and Genetics/Laboratory Corporation of America, LabCorp); PubMed 27499327 (cited by Women's Health and Genetics/Laboratory Corporation of America, LabCorp); PubMed 30816285 (cited by Women's Health and Genetics/Laboratory Corporation of America, LabCorp); PubMed 27782177 (cited by Women's Health and Genetics/Laboratory Corporation of America, LabCorp); PubMed 30820006 (cited by Women's Health and Genetics/Laboratory Corporation of America, LabCorp); PubMed 22034641 (cited by Women's Health and Genetics/Laboratory Corporation of America, LabCorp); PubMed 11316854 (cited by Women's Health and Genetics/Laboratory Corporation of America, LabCorp); PubMed 22114106 (cited by Women's Health and Genetics/Laboratory Corporation of America, LabCorp).